The following is an entry in ClinVar:

ClinVar aggregate classification (germline): Uncertain significance (1 of 4 stars; one submission).

Allele frequency attached by ClinVar (database versions not stated): TOPMed below 0.00001; gnomAD 0.00001; gnomAD exomes 0.00002 and 0.00003; ExAC 0.00005.
gnomAD v4.1: 35 of 1,609,958 alleles (0.0022%); highest among the groups gnomAD compares: South Asian, 0.037%; 2 homozygotes.

Submission:

Labcorp Genetics (formerly Invitae), Labcorp
Classification: Uncertain significance. Last evaluated: 2025-09-24. Review status: criteria provided, single submitter. Criteria: Invitae Variant Classification Sherloc (09022015). Collection method: clinical testing. Allele origin: germline.
Comment: This sequence change replaces threonine, which is neutral and polar, with alanine, which is neutral and non-polar, at codon 1113 of the AP3D1 protein (p.Thr1113Ala). This variant is present in population databases (rs747183931, gnomAD 0.03%). This variant has not been reported in the literature in individuals affected with AP3D1-related conditions. ClinVar contains an entry for this variant (Variation ID: 1354981). An algorithm developed to predict the effect of missense changes on protein structure and function (PolyPhen-2) suggests that this variant is likely to be tolerated. In summary, the available evidence is currently insufficient to determine the role of this variant in disease. Therefore, it has been classified as a Variant of Uncertain Significance.

NM_001261826.3(AP3D1):c.3337A>G (p.Thr1113Ala)

Gene: AP3D1 (adaptor related protein complex 3 subunit delta 1; minus strand). Cytogenetic location: 19p13.3.
Variant type: single nucleotide variant.
Coding change: c.3337A>G on transcript NM_001261826.3 (MANE Select); coding-DNA position 3337, A replaced by G.
Protein change: p.Thr1113Ala; replaces threonine 1113 with alanine.
Molecular consequence: missense variant.
Genome position (GRCh38, 1-based): chr19:2,109,886, T>C on the plus strand (A>G on the coding strand, the complement: AP3D1 is on the minus strand). VCF-style: chr19-2109886-T-C. GRCh37 (hg19) VCF-style: chr19-2109885-T-C.
Other names: c.3301A>G, p.Thr1101Ala (NM_001374799.1); c.3151A>G, p.Thr1051Ala (NM_003938.8); short protein forms T1051A, T1101A, T1113A.
Identifiers: ClinVar variation 1354981 (VCV001354981.8), dbSNP rs747183931, ClinGen allele CA9058444.